The following is an entry in ClinVar:

ClinVar aggregate classification (germline): Uncertain significance (1 of 4 stars; one submission).

Conditions:
Hereditary cancer-predisposing syndrome. Also called: Neoplastic Syndromes, Hereditary; Tumor predisposition; Hereditary neoplastic syndrome; Hereditary Cancer Syndrome. Identifiers: Orphanet 140162, MedGen C0027672, MeSH D009386, MONDO:0015356.

gnomAD v4.1: 1 of 1,614,198 alleles (0.000062%); highest among the groups gnomAD compares: Non-Finnish European, 0.000085%; no homozygotes.

Submission:

Ambry Genetics
Classification: Uncertain significance for Hereditary cancer-predisposing syndrome. Last evaluated: 2026-08-08. Review status: criteria provided, single submitter. Criteria: Ambry Variant Classification Scheme 2023. Collection method: clinical testing. Allele origin: germline.
Comment: The p.N1038S variant (also known as c.3113A>G), located in coding exon 21 of the PDGFRA gene, results from an A to G substitution at nucleotide position 3113. The asparagine at codon 1038 is replaced by serine, an amino acid with highly similar properties. This amino acid position is highly conserved in available vertebrate species. In addition, this alteration is predicted to be tolerated by in silico analysis. Based on the available evidence, the clinical significance of this variant remains unclear.

NM_006206.6(PDGFRA):c.3113A>G (p.Asn1038Ser)

Gene: PDGFRA (platelet derived growth factor receptor alpha; plus strand). Cytogenetic location: 4q12.
Variant type: single nucleotide variant.
Coding change: c.3113A>G on transcript NM_006206.6 (MANE Select); coding-DNA position 3113, A replaced by G.
Protein change: p.Asn1038Ser; replaces asparagine 1038 with serine.
Molecular consequence: missense variant.
Genome position (GRCh38, 1-based): chr4:54,290,545, A>G. VCF-style: chr4-54290545-A-G. GRCh37 (hg19) VCF-style: chr4-55156712-A-G.
Other names: c.3188A>G, p.Asn1063Ser (NM_001347828.2); c.3113A>G, p.Asn1038Ser (NM_001347829.2); c.3152A>G, p.Asn1051Ser (NM_001347830.2); short protein forms N1063S, N1038S, N1051S.
Identifiers: ClinVar variation 5026394 (VCV005026394.1).